The following is an entry in ClinVar:

ClinVar aggregate classification (germline): Uncertain significance. Review status: criteria provided, multiple submitters, no conflicts (2 of 4 stars). 2 submissions from 2 submitters: Uncertain significance (2). Last evaluated 2026-07-14.

Conditions:
IFNLR1-related disorder. Also called: IFNLR1-related condition.

gnomAD v4.1: 12 of 1,613,472 alleles (0.00074%); highest among the groups gnomAD compares: African/African-American, 0.011%; no homozygotes.

Submissions (2):

PreventionGenetics, part of Exact Sciences
Classification: Uncertain significance for IFNLR1-related condition. Last evaluated: 2026-07-14. Review status: criteria provided, single submitter. Criteria: ACMG Guidelines, 2015. Collection method: clinical testing. Allele origin: germline.
Comment: The IFNLR1 c.1213G>A variant is predicted to result in the amino acid substitution p.Gly405Ser. To our knowledge, this variant has not been reported in the literature. This variant is reported in 0.024% of alleles in individuals of African descent in gnomAD. At this time, the clinical significance of this variant is uncertain due to the absence of conclusive functional and genetic evidence.

Ambry Genetics
Classification: Uncertain significance. Last evaluated: 2024-11-25. Review status: criteria provided, single submitter. Criteria: Ambry Variant Classification Scheme 2023. Collection method: clinical testing. Allele origin: germline.

NM_170743.4(IFNLR1):c.1213G>A (p.Gly405Ser)

Gene: IFNLR1 (interferon lambda receptor 1; minus strand). Cytogenetic location: 1p36.11.
Variant type: single nucleotide variant.
Coding change: c.1213G>A on transcript NM_170743.4 (MANE Select); coding-DNA position 1213, G replaced by A.
Protein change: p.Gly405Ser; replaces glycine 405 with serine.
Molecular consequence: missense variant. On other transcripts: 3 prime UTR variant (1).
Genome position (GRCh38, 1-based): chr1:24,157,480, C>T on the plus strand (G>A on the coding strand, the complement: IFNLR1 is on the minus strand). VCF-style: chr1-24157480-C-T. GRCh37 (hg19) VCF-style: chr1-24483970-C-T.
Other names: c.1126G>A, p.Gly376Ser (NM_173064.3); c.*347G>A (NM_173065.3); short protein forms G376S, G405S.
Identifiers: ClinVar variation 3527842 (VCV003527842.2).